The following is an entry in ClinVar:

NM_020774.4(MIB1):c.1238-118_1238-117del

Gene: MIB1 (MIB E3 ubiquitin protein ligase 1; plus strand). Cytogenetic location: 18q11.2.
Variant type: Deletion.
Coding change: c.1238-118_1238-117del on transcript NM_020774.4 (MANE Select); 118 bases into the intron before coding-DNA position 1238 through 117 bases into the intron before coding-DNA position 1238, 2 bases deleted (AT; older notation c.1238-118_1238-117delAT).
Molecular consequence: intron variant.
Genome position (GRCh38, 1-based): chr18:21,799,723-21,799,724, AT deleted. VCF-style (leftmost placement, unchanged base first): chr18-21799722-CAT-C. GRCh37 (hg19) VCF-style: chr18-19379683-CAT-C.
Other names: c.1238-118_1238-117delAT (NM_020774.3).
Identifiers: ClinVar variation 679879 (VCV000679879.1), dbSNP rs45524935, ClinGen allele CA296993692.

ClinVar aggregate classification (germline): Likely benign (1 of 4 stars; one submission).

Allele frequency attached by ClinVar (database versions not stated): 1000 Genomes Project 30x 0.00297; 1000 Genomes Project 0.00319; TOPMed 0.00882; gnomAD 0.01007 and 0.01053; gnomAD exomes 0.01432.

Submission:

GeneDx
Classification: Likely benign. Last evaluated: 2018-06-19. Review status: criteria provided, single submitter. Criteria: GeneDx Variant Classification (06012015). Collection method: clinical testing. Allele origin: germline. Affected: yes.
Comment: This variant is considered likely benign or benign based on one or more of the following criteria: it is a conservative change, it occurs at a poorly conserved position in the protein, it is predicted to be benign by multiple in silico algorithms, and/or has population frequency not consistent with disease.